The following is an entry in ClinVar:

ClinVar aggregate classification (germline): Uncertain significance (1 of 4 stars; one submission).

Allele frequency attached by ClinVar (database versions not stated): gnomAD 0.00001; gnomAD exomes 0.00002; TOPMed 0.00003.
gnomAD v4.1: 32 of 1,528,064 alleles (0.0021%); highest among the groups gnomAD compares: African/African-American, 0.0028%; no homozygotes.

Submission:

Labcorp Genetics (formerly Invitae), Labcorp
Classification: Uncertain significance. Last evaluated: 2021-09-03. Review status: criteria provided, single submitter. Criteria: Invitae Variant Classification Sherloc (09022015). Collection method: clinical testing. Allele origin: germline.
Comment: This sequence change replaces valine with isoleucine at codon 1286 of the UNC80 protein (p.Val1286Ile). The valine residue is weakly conserved and there is a small physicochemical difference between valine and isoleucine. This variant is not present in population databases (ExAC no frequency). This variant has not been reported in the literature in individuals affected with UNC80-related conditions. Algorithms developed to predict the effect of missense changes on protein structure and function output the following: SIFT: "Not Available"; PolyPhen-2: "Benign"; Align-GVGD: "Not Available". The isoleucine amino acid residue is found in multiple mammalian species, which suggests that this missense change does not adversely affect protein function. In summary, the available evidence is currently insufficient to determine the role of this variant in disease. Therefore, it has been classified as a Variant of Uncertain Significance.

NM_001371986.1(UNC80):c.3850G>A (p.Val1284Ile)

Gene: UNC80 (unc-80 homolog, NALCN channel complex subunit; plus strand). Cytogenetic location: 2q34.
Variant type: single nucleotide variant.
Coding change: c.3850G>A on transcript NM_001371986.1 (MANE Select); coding-DNA position 3850, G replaced by A.
Protein change: p.Val1284Ile; replaces valine 1284 with isoleucine.
Molecular consequence: missense variant.
Genome position (GRCh38, 1-based): chr2:209,877,963, G>A. VCF-style: chr2-209877963-G-A. GRCh37 (hg19) VCF-style: chr2-210742687-G-A.
Other names: c.3856G>A, p.Val1286Ile (NM_032504.2); c.3841G>A, p.Val1281Ile (NM_182587.4); short protein forms V1284I, V1281I, V1286I.
Identifiers: ClinVar variation 1446073 (VCV001446073.3), dbSNP rs1012210225, ClinGen allele CA65035931.